The following is an entry in ClinVar:

NM_001160372.4(TRAPPC9):c.965A>G (p.Asp322Gly)

Gene: TRAPPC9 (trafficking protein particle complex subunit 9; minus strand). Cytogenetic location: 8q24.3.
Variant type: single nucleotide variant.
Coding change: c.965A>G on transcript NM_001160372.4 (MANE Select); coding-DNA position 965, A replaced by G.
Protein change: p.Asp322Gly; replaces aspartic acid 322 with glycine.
Molecular consequence: missense variant. On other transcripts: non-coding transcript variant (1).
Genome position (GRCh38, 1-based): chr8:140,405,620, T>C on the plus strand (A>G on the coding strand, the complement: TRAPPC9 is on the minus strand). VCF-style: chr8-140405620-T-C. GRCh37 (hg19) VCF-style: chr8-141415719-T-C.
Other names: c.938A>G, p.Asp313Gly (NM_001321646.2); c.986A>G, p.Asp329Gly (NM_001374682.1); c.965A>G, p.Asp322Gly (NM_001374683.1, NM_001374684.1, NM_031466.8); short protein forms D313G, D322G, D329G.
Identifiers: ClinVar variation 1522487 (VCV001522487.6), dbSNP rs2132432093, ClinGen allele CA372320676.

ClinVar aggregate classification (germline): Uncertain significance (1 of 4 stars; one submission).

Submission:

Labcorp Genetics (formerly Invitae), Labcorp
Classification: Uncertain significance. Last evaluated: 2021-12-02. Review status: criteria provided, single submitter. Criteria: Invitae Variant Classification Sherloc (09022015). Collection method: clinical testing. Allele origin: germline.
Comment: In summary, the available evidence is currently insufficient to determine the role of this variant in disease. Therefore, it has been classified as a Variant of Uncertain Significance. Algorithms developed to predict the effect of missense changes on protein structure and function are either unavailable or do not agree on the potential impact of this missense change (SIFT: "Not Available"; PolyPhen-2: "Probably Damaging"; Align-GVGD: "Not Available"). This variant has not been reported in the literature in individuals affected with TRAPPC9-related conditions. This variant is not present in population databases (gnomAD no frequency). This sequence change replaces aspartic acid, which is acidic and polar, with glycine, which is neutral and non-polar, at codon 420 of the TRAPPC9 protein (p.Asp420Gly).